The following is an entry in ClinVar:

NM_001394062.1(MACF1):c.13262A>T (p.Tyr4421Phe)

Gene: MACF1 (microtubule actin crosslinking factor 1; plus strand). Cytogenetic location: 1p34.3.
Variant type: single nucleotide variant.
Coding change: c.13262A>T on transcript NM_001394062.1 (MANE Select); coding-DNA position 13262, A replaced by T.
Protein change: p.Tyr4421Phe; replaces tyrosine 4421 with phenylalanine.
Molecular consequence: missense variant.
Genome position (GRCh38, 1-based): chr1:39,378,509, A>T. VCF-style: chr1-39378509-A-T. GRCh37 (hg19) VCF-style: chr1-39844181-A-T.
Other names: c.7076A>T, p.Tyr2359Phe (NM_012090.5); short protein forms Y4421F, Y2359F.
Identifiers: ClinVar variation 1976238 (VCV001976238.7), dbSNP rs2522564993, ClinGen allele CA339829256.

ClinVar aggregate classification (germline): Uncertain significance. Review status: criteria provided, multiple submitters, no conflicts (2 of 4 stars). 2 submissions from 2 submitters: Uncertain significance (2). Last evaluated 2025-06-28.

Submissions (2):

Dasa
Classification: Uncertain significance. Last evaluated: 2025-06-28. Review status: criteria provided, single submitter. Criteria: DASA Assertion Criteria. Collection method: clinical testing. Allele origin: germline.
Comment: NM_001394062.1(MACF1):c.13262A>T (p.Tyr4421Phe) is a missense variant that results in the substitution of tyrosine with phenylalanine. This variant is absent from population databases. Computational prediction algorithms are consistent with a benign effect. The currently available literature and clinical evidence are not sufficient to establish a definitive association between this variant and the reported condition. Therefore, this variant is classified as a variant of uncertain significance.

Labcorp Genetics (formerly Invitae), Labcorp
Classification: Uncertain significance. Last evaluated: 2025-02-03. Review status: criteria provided, single submitter. Criteria: Invitae Variant Classification Sherloc (09022015). Collection method: clinical testing. Allele origin: germline.
Comment: This sequence change replaces tyrosine, which is neutral and polar, with phenylalanine, which is neutral and non-polar, at codon 2359 of the MACF1 protein (p.Tyr2359Phe). This variant is not present in population databases (gnomAD no frequency). This variant has not been reported in the literature in individuals affected with MACF1-related conditions. ClinVar contains an entry for this variant (Variation ID: 1976238). An algorithm developed to predict the effect of missense changes on protein structure and function (PolyPhen-2) suggests that this variant is likely to be tolerated. In summary, the available evidence is currently insufficient to determine the role of this variant in disease. Therefore, it has been classified as a Variant of Uncertain Significance.